The following is an entry in ClinVar:

ClinVar aggregate classification (germline): Uncertain significance (1 of 4 stars; one submission).

Conditions:
Hereditary cancer-predisposing syndrome. Also called: Hereditary Cancer Syndrome; Hereditary neoplastic syndrome; Neoplastic Syndromes, Hereditary; Tumor predisposition. Identifiers: Orphanet 140162, MedGen C0027672, MeSH D009386, MONDO:0015356.

Submission:

Ambry Genetics
Classification: Uncertain significance for Hereditary cancer-predisposing syndrome. Last evaluated: 2022-09-27. Review status: criteria provided, single submitter. Criteria: Ambry Variant Classification Scheme 2023. Collection method: clinical testing. Allele origin: germline.
Comment: The p.S2025C variant (also known as c.6073A>T), located in coding exon 15 of the APC gene, results from an A to T substitution at nucleotide position 6073. The serine at codon 2025 is replaced by cysteine, an amino acid with dissimilar properties. This amino acid position is conserved. In addition, in silico predictors for this gene do not accurately predict pathogenicity. Since supporting evidence is limited at this time, the clinical significance of this alteration remains unclear.

NM_000038.6(APC):c.6073A>T (p.Ser2025Cys)

Gene: APC (APC regulator of Wnt signaling pathway; plus strand). Cytogenetic location: 5q22.2.
Variant type: single nucleotide variant.
Coding change: c.6073A>T on transcript NM_000038.6 (MANE Select); coding-DNA position 6073, A replaced by T.
Protein change: p.Ser2025Cys; replaces serine 2025 with cysteine.
Molecular consequence: missense variant.
Genome position (GRCh38, 1-based): chr5:112,841,667, A>T. VCF-style: chr5-112841667-A-T. GRCh37 (hg19) VCF-style: chr5-112177364-A-T.
Other names: c.6073A>T, p.Ser2025Cys (NM_001127510.3, NM_001354895.2, NM_001407450.1); c.6019A>T, p.Ser2007Cys (NM_001127511.3); c.6127A>T, p.Ser2043Cys (NM_001354896.2, NM_001407447.1, NM_001407448.1 and 1 more transcripts); c.6103A>T, p.Ser2035Cys (NM_001354897.2); c.5998A>T, p.Ser2000Cys (NM_001354898.2); c.5989A>T, p.Ser1997Cys (NM_001354899.2); c.5950A>T, p.Ser1984Cys (NM_001354900.2); c.5896A>T, p.Ser1966Cys (NM_001354901.2, NM_001407453.1); and 11 more; short protein forms S1899C, S2043C, S2053C, S1742C, S1934C, S1997C, S2015C, S2035C.
Identifiers: ClinVar variation 1751405 (VCV001751405.2), dbSNP rs2149956325, ClinGen allele CA16034624.